The following is an entry in ClinVar:

NM_001220.5(CAMK2B):c.778C>T (p.Arg260Cys)

Gene: CAMK2B (calcium/calmodulin dependent protein kinase II beta; minus strand). Cytogenetic location: 7p13.
Variant type: single nucleotide variant.
Coding change: c.778C>T on transcript NM_001220.5 (MANE Select); coding-DNA position 778, C replaced by T.
Protein change: p.Arg260Cys; replaces arginine 260 with cysteine.
Molecular consequence: missense variant.
Genome position (GRCh38, 1-based): chr7:44,242,259, G>A on the plus strand (C>T on the coding strand, the complement: CAMK2B is on the minus strand). VCF-style: chr7-44242259-G-A. GRCh37 (hg19) VCF-style: chr7-44281858-G-A.
Other names: c.778C>T, p.Arg260Cys (NM_001293170.2, NM_172078.3, NM_172079.3 and 5 more transcripts); short protein forms R260C.
Identifiers: ClinVar variation 1390795 (VCV001390795.6), dbSNP rs2128966418, ClinGen allele CA367363847.

ClinVar aggregate classification (germline): Uncertain significance (1 of 4 stars; one submission).

Submission:

Labcorp Genetics (formerly Invitae), Labcorp
Classification: Uncertain significance. Last evaluated: 2023-11-27. Review status: criteria provided, single submitter. Criteria: Invitae Variant Classification Sherloc (09022015). Collection method: clinical testing. Allele origin: germline.
Comment: This sequence change replaces arginine, which is basic and polar, with cysteine, which is neutral and slightly polar, at codon 260 of the CAMK2B protein (p.Arg260Cys). This variant is not present in population databases (gnomAD no frequency). This variant has not been reported in the literature in individuals affected with CAMK2B-related conditions. ClinVar contains an entry for this variant (Variation ID: 1390795). An algorithm developed to predict the effect of missense changes on protein structure and function (PolyPhen-2) suggests that this variant is likely to be disruptive. In summary, the available evidence is currently insufficient to determine the role of this variant in disease. Therefore, it has been classified as a Variant of Uncertain Significance.